The following is an entry in ClinVar:

NM_022132.5(MCCC2):c.248C>G (p.Pro83Arg)

Gene: MCCC2 (methylcrotonyl-CoA carboxylase subunit 2; plus strand). Cytogenetic location: 5q13.2.
Variant type: single nucleotide variant.
Coding change: c.248C>G on transcript NM_022132.5 (MANE Select); coding-DNA position 248, C replaced by G.
Protein change: p.Pro83Arg; replaces proline 83 with arginine.
Molecular consequence: missense variant.
Genome position (GRCh38, 1-based): chr5:71,596,331, C>G. VCF-style: chr5-71596331-C-G. GRCh37 (hg19) VCF-style: chr5-70892158-C-G.
Other names: c.248C>G, p.Pro83Arg (NM_001363147.1); c.248C>G (NM_022132.4); short protein forms P83R.
Identifiers: ClinVar variation 1020751 (VCV001020751.10), dbSNP rs1414470105, ClinGen allele CA360006060.

ClinVar aggregate classification (germline): Uncertain significance. Review status: criteria provided, single submitter (1 of 4 stars). 2 submissions from 2 submitters: Uncertain significance (1). 1 of the submissions does not count toward it. Last evaluated 2025-03-10.

Conditions:
3-methylcrotonyl-CoA carboxylase 2 deficiency. Also called: 3 alpha methylcrotonyl-CoA carboxylase 2 deficiency; 3 alpha methylcrotonylglycinuria 2; MCC 2 deficiency; Methylcrotonylglycinuria type 2; METHYLCROTONYLGLYCINURIA, TYPE II. Identifiers: Orphanet 6, MedGen C1859499, MONDO:0008862, OMIM 210210.

Allele frequency attached by ClinVar (database versions not stated): gnomAD exomes below 0.00001; TOPMed below 0.00001.
gnomAD v4.1: 2 of 1,614,052 alleles (0.00012%); highest among the groups gnomAD compares: Admixed American, 0.0017%; no homozygotes.

Submissions (2):

Labcorp Genetics (formerly Invitae), Labcorp
Classification: Uncertain significance for 3-methylcrotonyl-CoA carboxylase 2 deficiency. Last evaluated: 2025-03-10. Review status: criteria provided, single submitter. Criteria: Invitae Variant Classification Sherloc (09022015). Collection method: clinical testing. Allele origin: germline.
Comment: This sequence change replaces proline, which is neutral and non-polar, with arginine, which is basic and polar, at codon 83 of the MCCC2 protein (p.Pro83Arg). This variant is present in population databases (no rsID available, gnomAD 0.003%). This variant has not been reported in the literature in individuals affected with MCCC2-related conditions. ClinVar contains an entry for this variant (Variation ID: 1020751). Invitae Evidence Modeling of protein sequence and biophysical properties (such as structural, functional, and spatial information, amino acid conservation, physicochemical variation, residue mobility, and thermodynamic stability) indicates that this missense variant is expected to disrupt MCCC2 protein function with a positive predictive value of 80%. In summary, the available evidence is currently insufficient to determine the role of this variant in disease. Therefore, it has been classified as a Variant of Uncertain Significance.

Natera, Inc.
Classification: Uncertain significance for 3-methylcrotonyl-CoA carboxylase 2 deficiency. Last evaluated: 2025-04-04. Review status: no assertion criteria provided. Collection method: clinical testing. Allele origin: germline. Not counted in ClinVar's aggregate classification.